The following is an entry in ClinVar:

ClinVar aggregate classification (germline): Likely benign. Review status: criteria provided, multiple submitters, no conflicts (2 of 4 stars). 5 submissions from 5 submitters: Likely benign (4). 1 of the submissions does not count toward it. Last evaluated 2026-01-23.

Conditions:
TPP1-related disorder. Also called: TPP1-related condition.
Inborn genetic diseases. Identifiers: MedGen C0950123, MeSH D030342.

Allele frequency attached by ClinVar (database versions not stated): gnomAD exomes 0.00008; ExAC 0.00010; gnomAD 0.00019 and 0.00021; TOPMed 0.00020; ESP Exome Variant Server 0.00038.
gnomAD v4.1: 66 of 1,614,154 alleles (0.0041%); highest among the groups gnomAD compares: African/African-American, 0.071%; no homozygotes.

Submissions (5):

Labcorp Genetics (formerly Invitae), Labcorp
Classification: Likely benign. Last evaluated: 2026-01-23. Review status: criteria provided, single submitter. Criteria: Invitae Variant Classification Sherloc (09022015). Collection method: clinical testing. Allele origin: germline.

Blueprint Genetics
Classification: Likely benign. Last evaluated: 2024-10-22. Review status: criteria provided, single submitter. Criteria: ACMG Guidelines, 2015. Collection method: clinical testing. Allele origin: germline.

Ambry Genetics
Classification: Likely benign for Inborn genetic diseases. Last evaluated: 2016-05-03. Review status: criteria provided, single submitter. Criteria: Ambry Variant Classification Scheme 2023. Collection method: clinical testing. Allele origin: germline.

GeneDx
Classification: Likely benign. Last evaluated: 2016-05-03. Review status: criteria provided, single submitter. Criteria: GeneDx Variant Classification (06012015). Collection method: clinical testing. Allele origin: germline. Affected: yes.
Comment: This variant is considered likely benign or benign based on one or more of the following criteria: it is a conservative change, it occurs at a poorly conserved position in the protein, it is predicted to be benign by multiple in silico algorithms, and/or has population frequency not consistent with disease.

PreventionGenetics, part of Exact Sciences
Classification: Likely benign for TPP1-related condition. Last evaluated: 2019-05-23. Review status: no assertion criteria provided. Collection method: clinical testing. Allele origin: germline. Not counted in ClinVar's aggregate classification.
Comment: This variant is classified as likely benign based on ACMG/AMP sequence variant interpretation guidelines (Richards et al. 2015 PMID: 25741868, with internal and published modifications).

NM_000391.4(TPP1):c.1086G>A (p.Gly362=)

Gene: TPP1 (tripeptidyl peptidase 1; minus strand). Cytogenetic location: 11p15.4.
Variant type: single nucleotide variant.
Coding change: c.1086G>A on transcript NM_000391.4 (MANE Select); coding-DNA position 1086, G replaced by A.
Protein change: p.Gly362=; no amino-acid change (glycine 362 retained).
Molecular consequence: synonymous variant.
Genome position (GRCh38, 1-based): chr11:6,616,064, C>T on the plus strand (G>A on the coding strand, the complement: TPP1 is on the minus strand). VCF-style: chr11-6616064-C-T. GRCh37 (hg19) VCF-style: chr11-6637295-C-T.
Identifiers: ClinVar variation 378759 (VCV000378759.19), dbSNP rs140809393, ClinGen allele CA5858756.
Genomic context (GRCh38, chr11:6,616,064, plus strand): 5'-CCTGGAGGCAGGGAAGGTAGGGCGGAACTGGTGTCTTCCAGAGACAGACCAACACCCGGC[C>T]CCACTGTCACCTGAGAGAGACCAAGTGTAGCATTCATATTAATTGGTTAGGGCTTAGTAT-3'
Protein context (NP_000382.3, residues 352-372): LTLLFASGDS[Gly362=]AGCWSVSGRH